The following is an entry in ClinVar:

NM_001128840.3(CACNA1D):c.4714G>C (p.Glu1572Gln)

Gene: CACNA1D (calcium voltage-gated channel subunit alpha1 D; plus strand). Cytogenetic location: 3p21.1.
Variant type: single nucleotide variant.
Coding change: c.4714G>C on transcript NM_001128840.3 (MANE Select); coding-DNA position 4714, G replaced by C.
Protein change: p.Glu1572Gln; replaces glutamic acid 1572 with glutamine.
Molecular consequence: missense variant.
Genome position (GRCh38, 1-based): chr3:53,781,589, G>C. VCF-style: chr3-53781589-G-C. GRCh37 (hg19) VCF-style: chr3-53815616-G-C.
Other names: c.4774G>C (NM_000720.2); c.4774G>C, p.Glu1592Gln (NM_000720.4); c.4669G>C, p.Glu1557Gln (NM_001128839.3); short protein forms E1572Q, E1592Q, E1557Q.
Identifiers: ClinVar variation 1911467 (VCV001911467.7), dbSNP rs771911205, ClinGen allele CA2454969.
Genomic context (GRCh38, chr3:53,781,589, plus strand): 5'-TGAGGCTTGCTTTTCCCCTTTTGTTTTTTGAATCCAGGGAACCTGGAGCAAGCTAATGAA[G>C]AACTTCGGGCTGTGATAAAGAAAATTTGGAAGAAAACCAGCATGAAATTACTTGACCAAG-3'
Protein context (NP_001122312.1, residues 1562-1582): TEGNLEQANE[Glu1572Gln]LRAVIKKIWK

ClinVar aggregate classification (germline): Uncertain significance. Review status: criteria provided, multiple submitters, no conflicts (2 of 4 stars). 3 submissions from 3 submitters: Uncertain significance (3). Last evaluated 2026-01-31.

Allele frequency attached by ClinVar (database versions not stated): ExAC 0.00001; gnomAD 0.00001; gnomAD exomes 0.00002; TOPMed 0.00003.
gnomAD v4.1: 26 of 1,613,722 alleles (0.0016%); highest among the groups gnomAD compares: Middle Eastern, 0.016%; no homozygotes.

Submissions (3):

Labcorp Genetics (formerly Invitae), Labcorp
Classification: Uncertain significance. Last evaluated: 2026-01-31. Review status: criteria provided, single submitter. Criteria: Invitae Variant Classification Sherloc (09022015). Collection method: clinical testing. Allele origin: germline.
Comment: This sequence change replaces glutamic acid, which is acidic and polar, with glutamine, which is neutral and polar, at codon 1592 of the CACNA1D protein (p.Glu1592Gln). This variant is present in population databases (rs771911205, gnomAD 0.002%). This variant has not been reported in the literature in individuals affected with CACNA1D-related conditions. ClinVar contains an entry for this variant (Variation ID: 1911467). Invitae Evidence Modeling of protein sequence and biophysical properties (such as structural, functional, and spatial information, amino acid conservation, physicochemical variation, residue mobility, and thermodynamic stability) indicates that this missense variant is not expected to disrupt CACNA1D protein function with a negative predictive value of 80%. In summary, the available evidence is currently insufficient to determine the role of this variant in disease. Therefore, it has been classified as a Variant of Uncertain Significance.

Women's Health and Genetics/Laboratory Corporation of America, LabCorp
Classification: Uncertain significance. Last evaluated: 2025-09-04. Review status: criteria provided, single submitter. Criteria: LabCorp Variant Classification Summary - May 2015. Collection method: clinical testing. Allele origin: germline.
Comment: Variant summary: CACNA1D c.4774G>C (p.Glu1592Gln) results in a conservative amino acid change in the encoded protein sequence. Algorithms developed to predict the effect of missense changes on protein structure and function are either unavailable or do not agree on the potential impact of this missense change. The variant allele was found at a frequency of 8e-06 in 251480 control chromosomes. The available data on variant occurrences in the general population are insufficient to allow any conclusion about variant significance. To our knowledge, no occurrence of c.4774G>C in individuals affected with CACNA1D-related conditions and no experimental evidence demonstrating its impact on protein function have been reported. ClinVar contains an entry for this variant (Variation ID: 1911467). Based on the evidence outlined above, the variant was classified as uncertain significance.

GeneDx
Classification: Uncertain significance. Last evaluated: 2024-12-11. Review status: criteria provided, single submitter. Criteria: GeneDx Variant Classification Process June 2021. Collection method: clinical testing. Allele origin: germline. Affected: yes.
Comment: In silico analysis supports that this missense variant has a deleterious effect on protein structure/function; Has not been previously published as pathogenic or benign to our knowledge